The following is an entry in ClinVar:

NC_012920.1(MT-CO2):m.7673A>G

Gene: MT-CO2 (mitochondrially encoded cytochrome c oxidase II; plus strand).
Variant type: single nucleotide variant.
Genome position: chrM-7673-A-G.
Identifiers: ClinVar variation 692757 (VCV000692757.1), dbSNP rs1569484167, ClinGen allele CA414793245.
Genomic context (GRCh38, chrMT:7,673, plus strand): 5'-CAAGACGCTACTTCCCCTATCATAGAAGAGCTTATCACCTTTCATGATCACGCCCTCATA[A>G]TCATTTTCCTTATCTGCTTCCTAGTCCTGTATGCCCTTTTCCTAACACTCACAACAAAAC-3'

ClinVar aggregate classification (germline): Benign (1 of 4 stars; one submission).

Conditions:
Leigh syndrome (NULS). Also called: Leigh's necrotizing encephalopathy; Leigh's disease; Leigh Syndrome (mtDNA deletion); Leigh Disease; Subacute necrotizing encephalopathy; Necrotizing encephalopathy infantile subacute of Leigh. Identifiers: Orphanet 506, MedGen C2931891, MONDO:0009723, OMIM 256000.

Submission:

Wong Mito Lab, Molecular and Human Genetics, Baylor College of Medicine
Classification: Benign for Leigh syndrome. Last evaluated: 2019-10-17. Review status: criteria provided, single submitter. Criteria: Modified ACMG Guidelines (Unpublished). Collection method: clinical testing. Allele origin: germline.
Comment: The NC_012920.1:m.7673A>G (YP_003024029.1:p.Ile30Val) variant in MTCO2 gene is interpretated to be a Benign variant based on the modified ACMG guidelines (unpublished). This variant meets the following evidence codes: BS1, BS4, BP4